The following is an entry in ClinVar:

ClinVar aggregate classification (germline): Uncertain significance (1 of 4 stars; one submission).

Conditions:
Genitopatellar syndrome (GTPTS). Also called: ABSENT PATELLAE, SCROTAL HYPOPLASIA, RENAL ANOMALIES, FACIAL DYSMORPHISM, AND MENTAL RETARDATION; Genitopatellar syndrome (GPS). Identifiers: Orphanet 85201, MedGen C1853566, MONDO:0011640, OMIM 606170.

Submission:

Labcorp Genetics (formerly Invitae), Labcorp
Classification: Uncertain significance for Genitopatellar syndrome. Last evaluated: 2024-06-18. Review status: criteria provided, single submitter. Criteria: Invitae Variant Classification Sherloc (09022015). Collection method: clinical testing. Allele origin: germline.
Comment: This sequence change replaces leucine, which is neutral and non-polar, with valine, which is neutral and non-polar, at codon 1735 of the KAT6B protein (p.Leu1735Val). This variant is not present in population databases (gnomAD no frequency). This variant has not been reported in the literature in individuals affected with KAT6B-related conditions. Advanced modeling of protein sequence and biophysical properties (such as structural, functional, and spatial information, amino acid conservation, physicochemical variation, residue mobility, and thermodynamic stability) performed at Invitae indicates that this missense variant is not expected to disrupt KAT6B protein function with a negative predictive value of 80%. In summary, the available evidence is currently insufficient to determine the role of this variant in disease. Therefore, it has been classified as a Variant of Uncertain Significance.

NM_012330.4(KAT6B):c.5203C>G (p.Leu1735Val)

Gene: KAT6B (lysine acetyltransferase 6B; plus strand). Cytogenetic location: 10q22.2.
Variant type: single nucleotide variant.
Coding change: c.5203C>G on transcript NM_012330.4 (MANE Select); coding-DNA position 5203, C replaced by G.
Protein change: p.Leu1735Val; replaces leucine 1735 with valine.
Molecular consequence: missense variant.
Genome position (GRCh38, 1-based): chr10:75,030,027, C>G. VCF-style: chr10-75030027-C-G. GRCh37 (hg19) VCF-style: chr10-76789785-C-G.
Other names: c.4327C>G, p.Leu1443Val (NM_001256469.2, NM_001370139.1, NM_001370140.1 and 2 more transcripts); c.4165C>G, p.Leu1389Val (NM_001370132.1); c.3514C>G, p.Leu1172Val (NM_001370133.1); c.3118C>G, p.Leu1040Val (NM_001370134.1); c.2860C>G, p.Leu954Val (NM_001370135.1); c.5203C>G, p.Leu1735Val (NM_001370136.1, NM_001370137.1); c.4654C>G, p.Leu1552Val (NM_001370138.1, NM_001256468.2); c.4138C>G, p.Leu1380Val (NM_001370143.1, NM_001370144.1); short protein forms L1389V, L1172V, L1040V, L1380V, L1443V, L954V, L1552V, L1735V.
Identifiers: ClinVar variation 3681479 (VCV003681479.2).